The following is an entry in ClinVar:

ClinVar aggregate classification (germline): Uncertain significance (1 of 4 stars; one submission).

Conditions:
Microcephaly, normal intelligence and immunodeficiency (NBS). Also called: IMMUNODEFICIENCY, MICROCEPHALY, AND CHROMOSOMAL INSTABILITY; Immunodeficiency, microcephaly with normal intelligence; SEEMANOVA SYNDROME II; Ataxia telangiectasia variant V1; Microcephaly with normal intelligence immunodeficiency and lymphoreticular malignancies; Nonsyndromal microcephaly autosomal recessive with normal intelligence. Identifiers: Orphanet 647, MedGen C0398791, MONDO:0009623, OMIM 251260.

gnomAD v4.1: 1 of 1,613,662 alleles (0.000062%); no homozygotes.

Submission:

Labcorp Genetics (formerly Invitae), Labcorp
Classification: Uncertain significance for Microcephaly, normal intelligence and immunodeficiency. Last evaluated: 2018-07-11. Review status: criteria provided, single submitter. Criteria: Invitae Variant Classification Sherloc (09022015). Collection method: clinical testing. Allele origin: germline.
Comment: Algorithms developed to predict the effect of missense changes on protein structure and function output the following: SIFT: "Tolerated"; PolyPhen-2: "Benign"; Align-GVGD: "Class C0". The isoleucine amino acid residue is found in multiple mammalian species, suggesting that this missense change does not adversely affect protein function. These predictions have not been confirmed by published functional studies and their clinical significance is uncertain. In summary, the available evidence is currently insufficient to determine the role of this variant in disease. Therefore, it has been classified as a Variant of Uncertain Significance. This variant has not been reported in the literature in individuals with NBN-related disease. This variant is not present in population databases (ExAC no frequency). This sequence change replaces methionine with isoleucine at codon 727 of the NBN protein (p.Met727Ile). The methionine residue is weakly conserved and there is a small physicochemical difference between methionine and isoleucine.

NM_002485.5(NBN):c.2181G>A (p.Met727Ile)

Gene: NBN (nibrin; minus strand). Cytogenetic location: 8q21.3.
Variant type: single nucleotide variant.
Coding change: c.2181G>A on transcript NM_002485.5 (MANE Select); coding-DNA position 2181, G replaced by A.
Protein change: p.Met727Ile; replaces methionine 727 with isoleucine.
Molecular consequence: missense variant.
Genome position (GRCh38, 1-based): chr8:89,943,256, C>T on the plus strand (G>A on the coding strand, the complement: NBN is on the minus strand). VCF-style: chr8-89943256-C-T. GRCh37 (hg19) VCF-style: chr8-90955484-C-T.
Other names: c.1935G>A, p.Met645Ile (NM_001024688.3); short protein forms M727I, M645I.
Identifiers: ClinVar variation 640357 (VCV000640357.8), dbSNP rs1586034984, ClinGen allele CA371675262.